The following is an entry in ClinVar:

NM_001128148.3(TFRC):c.2193C>G (p.Phe731Leu)

Gene: TFRC (transferrin receptor; minus strand). Cytogenetic location: 3q29.
Variant type: single nucleotide variant.
Coding change: c.2193C>G on transcript NM_001128148.3 (MANE Select); coding-DNA position 2193, C replaced by G.
Protein change: p.Phe731Leu; replaces phenylalanine 731 with leucine.
Molecular consequence: missense variant.
Genome position (GRCh38, 1-based): chr3:196,052,032, G>C on the plus strand (C>G on the coding strand, the complement: TFRC is on the minus strand). VCF-style: chr3-196052032-G-C. GRCh37 (hg19) VCF-style: chr3-195778903-G-C.
Other names: c.1950C>G, p.Phe650Leu (NM_001313965.2); c.1347C>G, p.Phe449Leu (NM_001313966.2); c.2193C>G, p.Phe731Leu (NM_003234.4); c.2193C>G (NM_003234.2); short protein forms F731L, F449L, F650L.
Identifiers: ClinVar variation 1930117 (VCV001930117.7), dbSNP rs1461496815, ClinGen allele CA355557928.

ClinVar aggregate classification (germline): Conflicting classifications of pathogenicity. Review status: criteria provided, conflicting classifications (1 of 4 stars). 2 submissions from 2 submitters: Uncertain significance (1); Likely benign (1). Last evaluated 2025-12-28.

Conditions:
Inborn genetic diseases. Identifiers: MedGen C0950123, MeSH D030342.

Allele frequency attached by ClinVar (database versions not stated): TOPMed below 0.00001; gnomAD 0.00001; gnomAD exomes 0.00001.
gnomAD v4.1: 20 of 1,614,058 alleles (0.0012%); highest among the groups gnomAD compares: African/African-American, 0.021%; no homozygotes.

Submissions (2):

Labcorp Genetics (formerly Invitae), Labcorp
Classification: Uncertain significance. Last evaluated: 2025-12-28. Review status: criteria provided, single submitter. Criteria: Invitae Variant Classification Sherloc (09022015). Collection method: clinical testing. Allele origin: germline.
Comment: This sequence change replaces phenylalanine, which is neutral and non-polar, with leucine, which is neutral and non-polar, at codon 731 of the TFRC protein (p.Phe731Leu). This variant is present in population databases (no rsID available, gnomAD 0.003%). This variant has not been reported in the literature in individuals affected with TFRC-related conditions. ClinVar contains an entry for this variant (Variation ID: 1930117). Invitae Evidence Modeling of protein sequence and biophysical properties (such as structural, functional, and spatial information, amino acid conservation, physicochemical variation, residue mobility, and thermodynamic stability) indicates that this missense variant is not expected to disrupt TFRC protein function with a negative predictive value of 80%. In summary, the available evidence is currently insufficient to determine the role of this variant in disease. Therefore, it has been classified as a Variant of Uncertain Significance.

Ambry Genetics
Classification: Likely benign for Inborn genetic diseases. Last evaluated: 2023-06-07. Review status: criteria provided, single submitter. Criteria: Ambry Variant Classification Scheme 2023. Collection method: clinical testing. Allele origin: germline.